The following is an entry in ClinVar:

ClinVar aggregate classification (germline): Likely pathogenic. Review status: criteria provided, single submitter (1 of 4 stars). 2 submissions from 2 submitters: Likely pathogenic (1). 1 of the submissions does not count toward it. Last evaluated 2023-08-15.

Conditions:
Familial thoracic aortic aneurysm and aortic dissection (TAAD). Also called: Thoracic aortic aneurysms and dissections. Identifiers: Orphanet 91387, MedGen C4707243, MONDO:0019625.
Congenital aneurysm of ascending aorta (AAT1). Also called: Aortic aneurysm, thoracic; Familial thoracic aortic aneurysm; AORTIC ANEURYSM, FAMILIAL THORACIC 1; ANNULOAORTIC ECTASIA. Identifiers: Orphanet 229, MedGen C0345050, MONDO:0024559, OMIM 607086.
Acute aortic dissection. Identifiers: MedGen C0241868.

Allele frequency attached by ClinVar (database versions not stated): gnomAD exomes below 0.00001; ExAC 0.00001.

Submissions (2):

Ambry Genetics
Classification: Likely pathogenic for Familial thoracic aortic aneurysm and aortic dissection. Last evaluated: 2023-08-15. Review status: criteria provided, single submitter. Criteria: Ambry Variant Classification Scheme 2023. Collection method: clinical testing. Allele origin: germline.
Comment: The p.C271W variant (also known as c.813C>G), located in coding exon 7 of the FBN1 gene, results from a C to G substitution at nucleotide position 813. The cysteine at codon 271 is replaced by tryptophan, an amino acid with highly dissimilar properties. The majority of FBN1 mutations identified to date have involved the substitution or generation of cysteine residues within cbEGF domains (Vollbrandt T et al. J Biol Chem. 2004;279(31):32924-32931). Internal structural analysis indicates that this alteration eliminates a structurally critical disulfide bond in cbEGF domain #01 (Ambry internal data). This particular cysteine substitution has been reported to segregate with disease in a family with thoracic aortic aneurysm and dissection (TAAD) as well as other clinical symptoms of Marfan syndrome (Regalado ES et al. Clin. Genet., 2016 06;89:719-23). An alteration in the same codon, p.C271G, has also been associated with Marfan syndrome (Groth KA et al. Genet. Med., 2017 07;19:772-777). This variant is considered to be rare based on population cohorts in the Genome Aggregation Database (gnomAD). This amino acid position is highly conserved in available vertebrate species. In addition, this alteration is predicted to be deleterious by in silico analysis. Based on the majority of available evidence to date, this variant is likely to be pathogenic.

University of Washington Center for Mendelian Genomics, University of Washington
Classification: Likely pathogenic for Familial thoracic aortic aneurysms; Acute aortic dissections. Last evaluated: 2016-01-20. Review status: no assertion criteria provided. Collection method: research. Allele origin: unknown. Affected: yes. Not counted in ClinVar's aggregate classification.

Literature cited by the submitters: PubMed 26621581 (cited by Ambry Genetics and University of Washington Center for Mendelian Genomics, University of Washington); PubMed 31506931 (cited by Ambry Genetics).

NM_000138.5(FBN1):c.813C>G (p.Cys271Trp)

Gene: FBN1 (fibrillin 1; minus strand). Cytogenetic location: 15q21.1.
Variant type: single nucleotide variant.
Coding change: c.813C>G on transcript NM_000138.5 (MANE Select); coding-DNA position 813, C replaced by G.
Protein change: p.Cys271Trp; replaces cysteine 271 with tryptophan.
Molecular consequence: missense variant.
Genome position (GRCh38, 1-based): chr15:48,534,129, G>C on the plus strand (C>G on the coding strand, the complement: FBN1 is on the minus strand). VCF-style: chr15-48534129-G-C. GRCh37 (hg19) VCF-style: chr15-48826326-G-C.
Other names: short protein forms C271W.
Identifiers: ClinVar variation 617870 (VCV000617870.4), dbSNP rs765692335, ClinGen allele CA059648.